The following is an entry in ClinVar:

NM_001304360.2(CFAP74):c.919C>T (p.Arg307Cys)

Gene: CFAP74 (cilia and flagella associated protein 74; minus strand). Cytogenetic location: 1p36.33.
Variant type: single nucleotide variant.
Coding change: c.919C>T on transcript NM_001304360.2 (MANE Select); coding-DNA position 919, C replaced by T.
Protein change: p.Arg307Cys; replaces arginine 307 with cysteine.
Molecular consequence: missense variant.
Genome position (GRCh38, 1-based): chr1:1,970,786, G>A on the plus strand (C>T on the coding strand, the complement: CFAP74 is on the minus strand). VCF-style: chr1-1970786-G-A. GRCh37 (hg19) VCF-style: chr1-1902225-G-A.
Other names: short protein forms R307C.
Identifiers: ClinVar variation 4084040 (VCV004084040.8).

ClinVar aggregate classification (germline): Likely benign (1 of 4 stars; one submission).

Submission:

CeGaT Center for Human Genetics Tuebingen
Classification: Likely benign. Last evaluated: 2025-07-01. Review status: criteria provided, single submitter. Criteria: CeGaT Center For Human Genetics Tuebingen Variant Classification Criteria Version 2. Collection method: clinical testing. Allele origin: germline. Affected: yes. Observed: 1 variant allele.
Comment: CFAP74: BP4, BS1